The following is an entry in ClinVar:

NM_005633.4(SOS1):c.733A>T (p.Ile245Leu)

Gene: SOS1 (SOS Ras/Rac guanine nucleotide exchange factor 1; minus strand). Cytogenetic location: 2p22.1.
Variant type: single nucleotide variant.
Coding change: c.733A>T on transcript NM_005633.4 (MANE Select); coding-DNA position 733, A replaced by T.
Protein change: p.Ile245Leu; replaces isoleucine 245 with leucine.
Molecular consequence: missense variant.
Genome position (GRCh38, 1-based): chr2:39,051,275, T>A on the plus strand (A>T on the coding strand, the complement: SOS1 is on the minus strand). VCF-style: chr2-39051275-T-A. GRCh37 (hg19) VCF-style: chr2-39278416-T-A.
Other names: c.712A>T, p.Ile238Leu (NM_001382394.1); c.733A>T, p.Ile245Leu (NM_001382395.1); short protein forms I238L, I245L.
Identifiers: ClinVar variation 3720398 (VCV003720398.2).
Genomic context (GRCh38, chr2:39,051,275, plus strand): 5'-CTTCTATATGGCCCAGTAACTTTACACTAAGTTCATGTATATCTACTATGCGACTAAATA[T>A]ATTTTCTACATCCTGTTTGGGGGAAAACACATTAATTCAGTGAGGCTGTATTATTATAAT-3'
Protein context (NP_005624.2, residues 235-255): KLFSANDVEN[Ile245Leu]FSRIVDIHEL

ClinVar aggregate classification (germline): Uncertain significance (1 of 4 stars; one submission).

Conditions:
RASopathy. Also called: Noonan spectrum disorder; rasopathies. Identifiers: Orphanet 536391, MedGen C5555857, MONDO:0021060.

Submission:

Labcorp Genetics (formerly Invitae), Labcorp
Classification: Uncertain significance for RASopathy. Last evaluated: 2025-01-14. Review status: criteria provided, single submitter. Criteria: Invitae Variant Classification Sherloc (09022015). Collection method: clinical testing. Allele origin: germline.
Comment: This sequence change replaces isoleucine, which is neutral and non-polar, with leucine, which is neutral and non-polar, at codon 245 of the SOS1 protein (p.Ile245Leu). This variant is not present in population databases (gnomAD no frequency). This variant has not been reported in the literature in individuals affected with SOS1-related conditions. Invitae Evidence Modeling of protein sequence and biophysical properties (such as structural, functional, and spatial information, amino acid conservation, physicochemical variation, residue mobility, and thermodynamic stability) indicates that this missense variant is not expected to disrupt SOS1 protein function with a negative predictive value of 95%. In summary, the available evidence is currently insufficient to determine the role of this variant in disease. Therefore, it has been classified as a Variant of Uncertain Significance.